The following is an entry in ClinVar:

ClinVar aggregate classification (germline): Likely pathogenic (1 of 4 stars; one submission).

Conditions:
Hereditary angioedema type 1 (HAE1). Identifiers: Orphanet 100050, Orphanet 100051, Orphanet 91378, MedGen C2717906, MONDO:0015053, OMIM 106100.

Submission:

Clinical Genetics Laboratory, Skane University Hospital Lund
Classification: Likely pathogenic for Hereditary angioedema type 1. Last evaluated: 2026-09-02. Review status: criteria provided, single submitter. Criteria: ACMG Guidelines, 2015. Collection method: clinical testing. Allele origin: germline. Affected: yes.
Comment: ACMG criteria used: PM2, PP1, PP3, PP4_Strong.

NM_000062.3(SERPING1):c.1073T>C (p.Leu358Pro)

Gene: SERPING1 (serpin family G member 1; plus strand). Cytogenetic location: 11q12.1.
Variant type: single nucleotide variant.
Coding change: c.1073T>C on transcript NM_000062.3 (MANE Select); coding-DNA position 1073, T replaced by C.
Protein change: p.Leu358Pro; replaces leucine 358 with proline.
Molecular consequence: missense variant.
Genome position (GRCh38, 1-based): chr11:57,611,760, T>C. VCF-style: chr11-57611760-T-C. GRCh37 (hg19) VCF-style: chr11-57379233-T-C.
Other names: c.1073T>C, p.Leu358Pro (NM_001032295.2); short protein forms L358P.
Identifiers: ClinVar variation 5021106 (VCV005021106.1).